The following is an entry in ClinVar:

NM_000204.5(CFI):c.1375T>C (p.Tyr459His)

Gene: CFI (complement factor I; minus strand). Cytogenetic location: 4q25.
Variant type: single nucleotide variant.
Coding change: c.1375T>C on transcript NM_000204.5 (MANE Select); coding-DNA position 1375, T replaced by C.
Protein change: p.Tyr459His; replaces tyrosine 459 with histidine.
Molecular consequence: missense variant. On other transcripts: non-coding transcript variant (2).
Genome position (GRCh38, 1-based): chr4:109,746,276, A>G on the plus strand (T>C on the coding strand, the complement: CFI is on the minus strand). VCF-style: chr4-109746276-A-G. GRCh37 (hg19) VCF-style: chr4-110667432-A-G.
Other names: c.1399T>C, p.Tyr467His (NM_001318057.2, NM_001375278.1); c.1354T>C, p.Tyr452His (NM_001331035.2, NM_001375280.1, NM_001375282.1); c.1375T>C, p.Tyr459His (NM_001375279.1, NM_001375281.1); c.1318T>C, p.Tyr440His (NM_001375283.1); c.766T>C, p.Tyr256His (NM_001375284.1); short protein forms Y256H, Y440H, Y452H, Y459H, Y467H.
Identifiers: ClinVar variation 1716988 (VCV001716988.5), dbSNP rs1724409128, ClinGen allele CA357856685.
Genomic context (GRCh38, chr4:109,746,276, plus strand): 5'-ATATACCTTTTTCTCGTCCCCAGCCAGAAACGATGCATGTATCATTAGGTTGGAATAGGT[A>G]AGGAGACCAGGGGACACAGGCAGGGATGGAACGAGGCAGCTCACAATCTTTTTTGTTTCC-3'
Protein context (NP_000195.3, residues 449-469): SIPACVPWSP[Tyr459His]LFQPNDTCIV

ClinVar aggregate classification (germline): Uncertain significance (1 of 4 stars; one submission).

Allele frequency attached by ClinVar (database versions not stated): TOPMed below 0.00001.

Submission:

Labcorp Genetics (formerly Invitae), Labcorp
Classification: Uncertain significance. Last evaluated: 2022-08-19. Review status: criteria provided, single submitter. Criteria: Invitae Variant Classification Sherloc (09022015). Collection method: clinical testing. Allele origin: germline.
Comment: This sequence change replaces tyrosine, which is neutral and polar, with histidine, which is basic and polar, at codon 459 of the CFI protein (p.Tyr459His). This variant is not present in population databases (gnomAD no frequency). This variant has not been reported in the literature in individuals affected with CFI-related conditions. Advanced modeling of protein sequence and biophysical properties (such as structural, functional, and spatial information, amino acid conservation, physicochemical variation, residue mobility, and thermodynamic stability) performed at Invitae indicates that this missense variant is not expected to disrupt CFI protein function. In summary, the available evidence is currently insufficient to determine the role of this variant in disease. Therefore, it has been classified as a Variant of Uncertain Significance.